The following is an entry in ClinVar:

NM_002354.3(EPCAM):c.679C>T (p.His227Tyr)

Gene: EPCAM (epithelial cell adhesion molecule; plus strand). Cytogenetic location: 2p21.
Variant type: single nucleotide variant.
Coding change: c.679C>T on transcript NM_002354.3 (MANE Select); coding-DNA position 679, C replaced by T.
Protein change: p.His227Tyr; replaces histidine 227 with tyrosine.
Molecular consequence: missense variant.
Genome position (GRCh38, 1-based): chr2:47,379,790, C>T. VCF-style: chr2-47379790-C-T. GRCh37 (hg19) VCF-style: chr2-47606929-C-T.
Other names: short protein forms H227Y.
Identifiers: ClinVar variation 1755491 (VCV001755491.2), dbSNP rs1671532610, ClinGen allele CA346724366.

ClinVar aggregate classification (germline): Uncertain significance (1 of 4 stars; one submission).

Conditions:
Hereditary cancer-predisposing syndrome. Also called: Neoplastic Syndromes, Hereditary; Tumor predisposition; Hereditary Cancer Syndrome; Hereditary neoplastic syndrome. Identifiers: Orphanet 140162, MedGen C0027672, MeSH D009386, MONDO:0015356.

Allele frequency attached by ClinVar (database versions not stated): TOPMed below 0.00001.

Submission:

Ambry Genetics
Classification: Uncertain significance for Hereditary cancer-predisposing syndrome. Last evaluated: 2022-03-14. Review status: criteria provided, single submitter. Criteria: Ambry Variant Classification Scheme 2023. Collection method: clinical testing. Allele origin: germline.
Comment: The p.H227Y variant (also known as c.679C>T), located in coding exon 7 of the EPCAM gene, results from a C to T substitution at nucleotide position 679. The histidine at codon 227 is replaced by tyrosine, an amino acid with similar properties. This amino acid position is conserved. In addition, this alteration is predicted to be tolerated by in silico analysis. Since supporting evidence is limited at this time, the clinical significance of this alteration remains unclear.